The following is an entry in ClinVar:

ClinVar aggregate classification (germline): Uncertain significance (1 of 4 stars; one submission).

Conditions:
Neuropathy, hereditary sensory and autonomic, type 2A (HSAN2A). Also called: HSAN IIA; MORVAN DISEASE; NEUROPATHY, CONGENITAL SENSORY; NEUROPATHY, HEREDITARY SENSORY RADICULAR, AUTOSOMAL RECESSIVE; NEUROPATHY, HEREDITARY SENSORY, TYPE IIA; NEUROPATHY, PROGRESSIVE SENSORY, OF CHILDREN. Identifiers: Orphanet 970, MedGen C2752089, MONDO:0024309, OMIM 201300.
Generalized epilepsy with febrile seizures plus, type 7 (GEFSP7). Also called: GEFS+, TYPE 7. Identifiers: Orphanet 36387, MedGen C2751778, MONDO:0013470, OMIM 613863.

Submission:

Labcorp Genetics (formerly Invitae), Labcorp
Classification: Uncertain significance for Neuropathy, hereditary sensory and autonomic, type 2A; Generalized epilepsy with febrile seizures plus, type 7. Last evaluated: 2019-05-27. Review status: criteria provided, single submitter. Criteria: Invitae Variant Classification Sherloc (09022015). Collection method: clinical testing. Allele origin: germline.
Comment: This sequence change replaces aspartic acid with glycine at codon 1138 of the SCN9A protein (p.Asp1138Gly). The aspartic acid residue is highly conserved and there is a moderate physicochemical difference between aspartic acid and glycine. This variant is not present in population databases (ExAC no frequency). This variant has not been reported in the literature in individuals with SCN9A-related conditions. In summary, the available evidence is currently insufficient to determine the role of this variant in disease. Therefore, it has been classified as a Variant of Uncertain Significance. Algorithms developed to predict the effect of sequence changes on RNA splicing suggest that this variant may create or strengthen a splice site, but this prediction has not been confirmed by published transcriptional studies. Algorithms developed to predict the effect of missense changes on protein structure and function are either unavailable or do not agree on the potential impact of this missense change (SIFT: "Deleterious"; PolyPhen-2: "Benign"; Align-GVGD: "Class C0").

NM_001365536.1(SCN9A):c.3446A>G (p.Asp1149Gly)

Genes: SCN1A-AS1 (SCN1A and SCN9A antisense RNA 1; plus strand), SCN9A (sodium voltage-gated channel alpha subunit 9; minus strand). Cytogenetic location: 2q24.3.
Variant type: single nucleotide variant.
Coding change: c.3446A>G on transcript NM_001365536.1 (MANE Select); coding-DNA position 3446, A replaced by G.
Protein change: p.Asp1149Gly; replaces aspartic acid 1149 with glycine.
Molecular consequence: missense variant. On other transcripts: non-coding transcript variant (1).
Genome position (GRCh38, 1-based): chr2:166,251,791, T>C on the plus strand (A>G on the coding strand, the complement: SCN9A is on the minus strand). VCF-style: chr2-166251791-T-C. GRCh37 (hg19) VCF-style: chr2-167108301-T-C.
Other names: c.3413A>G, p.Asp1138Gly (NM_002977.4); short protein forms D1138G, D1149G.
Identifiers: ClinVar variation 838243 (VCV000838243.10), dbSNP rs1696051198, ClinGen allele CA349071843.